The following is an entry in ClinVar:

NM_000180.4(GUCY2D):c.400C>T (p.Arg134Trp)

Gene: GUCY2D (guanylate cyclase 2D, retinal; plus strand). Cytogenetic location: 17p13.1.
Variant type: single nucleotide variant.
Coding change: c.400C>T on transcript NM_000180.4 (MANE Select); coding-DNA position 400, C replaced by T.
Protein change: p.Arg134Trp; replaces arginine 134 with tryptophan.
Molecular consequence: missense variant.
Genome position (GRCh38, 1-based): chr17:8,003,447, C>T. VCF-style: chr17-8003447-C-T. GRCh37 (hg19) VCF-style: chr17-7906765-C-T.
Other names: short protein forms R134W.
Identifiers: ClinVar variation 1486800 (VCV001486800.8), dbSNP rs2151799404, ClinGen allele CA397943398.

ClinVar aggregate classification (germline): Uncertain significance (1 of 4 stars; one submission).

Conditions:
Cone-rod dystrophy 6 (CORD6). Also called: RETINAL CONE DYSTROPHY 2; Cone dystrophy progressive. Identifiers: Orphanet 1872, MedGen C1866293, MONDO:0011143, OMIM 601777.
Leber congenital amaurosis 1 (LCA1). Also called: RETINAL BLINDNESS, CONGENITAL; AMAUROSIS CONGENITA OF LEBER I; Congenital absence of the rods and cones; Leber's congenital tapetoretinal degeneration; Leber's congenital tapetoretinal dysplasia. Identifiers: Orphanet 65, MedGen C2931258, MONDO:0008764, OMIM 204000.

Submission:

Labcorp Genetics (formerly Invitae), Labcorp
Classification: Uncertain significance for Leber congenital amaurosis 1; Cone-rod dystrophy 6. Last evaluated: 2024-04-23. Review status: criteria provided, single submitter. Criteria: Invitae Variant Classification Sherloc (09022015). Collection method: clinical testing. Allele origin: germline.
Comment: This sequence change replaces arginine, which is basic and polar, with tryptophan, which is neutral and slightly polar, at codon 134 of the GUCY2D protein (p.Arg134Trp). This variant is not present in population databases (gnomAD no frequency). This variant has not been reported in the literature in individuals affected with GUCY2D-related conditions. ClinVar contains an entry for this variant (Variation ID: 1486800). Advanced modeling of protein sequence and biophysical properties (such as structural, functional, and spatial information, amino acid conservation, physicochemical variation, residue mobility, and thermodynamic stability) performed at Invitae indicates that this missense variant is not expected to disrupt GUCY2D protein function with a negative predictive value of 80%. In summary, the available evidence is currently insufficient to determine the role of this variant in disease. Therefore, it has been classified as a Variant of Uncertain Significance.